The following is an entry in ClinVar:

ClinVar aggregate classification (germline): Uncertain significance (1 of 4 stars; one submission).

Submission:

Labcorp Genetics (formerly Invitae), Labcorp
Classification: Uncertain significance. Last evaluated: 2023-06-06. Review status: criteria provided, single submitter. Criteria: Invitae Variant Classification Sherloc (09022015). Collection method: clinical testing. Allele origin: germline.
Comment: Algorithms developed to predict the effect of missense changes on protein structure and function output the following: SIFT: "Not Available"; PolyPhen-2: "Benign"; Align-GVGD: "Not Available". The arginine amino acid residue is found in multiple mammalian species, which suggests that this missense change does not adversely affect protein function. In summary, the available evidence is currently insufficient to determine the role of this variant in disease. Therefore, it has been classified as a Variant of Uncertain Significance. This variant has not been reported in the literature in individuals affected with RNF31-related conditions. This variant is not present in population databases (gnomAD no frequency). This sequence change replaces glutamine, which is neutral and polar, with arginine, which is basic and polar, at codon 128 of the RNF31 protein (p.Gln128Arg).

NM_017999.5(RNF31):c.383A>G (p.Gln128Arg)

Gene: RNF31 (ring finger protein 31; plus strand). Cytogenetic location: 14q12.
Variant type: single nucleotide variant.
Coding change: c.383A>G on transcript NM_017999.5 (MANE Select); coding-DNA position 383, A replaced by G.
Protein change: p.Gln128Arg; replaces glutamine 128 with arginine.
Molecular consequence: missense variant. On other transcripts: 5 prime UTR variant (1).
Genome position (GRCh38, 1-based): chr14:24,148,301, A>G. VCF-style: chr14-24148301-A-G. GRCh37 (hg19) VCF-style: chr14-24617510-A-G.
Other names: c.-135A>G (NM_001310332.2); short protein forms Q128R.
Identifiers: ClinVar variation 2805283 (VCV002805283.3), dbSNP rs2501991707, ClinGen allele CA389286722.